The following is an entry in ClinVar:

ClinVar aggregate classification (germline): Uncertain significance (1 of 4 stars; one submission).

Conditions:
Hydrolethalus syndrome 1 (HLS1). Identifiers: Orphanet 2189, MedGen C1856016, MONDO:0009365, OMIM 236680.

Submission:

Myriad Genetics, Inc.
Classification: Uncertain significance for Hydrolethalus syndrome 1. Last evaluated: 2025-10-13. Review status: criteria provided, single submitter. Criteria: Myriad Autosomal Dominant, Autosomal Recessive and X-Linked Classification Criteria (2023). Collection method: clinical testing. Allele origin: unknown.
Comment: NM_145014.2(HYLS1):c.889dupT(S297Ffs*17) is a frameshift variant that results in protein elongation classified as a variant of uncertain significance in the context of hydrolethalus syndrome. S297Ffs*17 has not been observed in cases with relevant disease. Relevant functional assessments of this variant are not available in the literature. S297Ffs*17 has not been observed in referenced population frequency databases. In summary, there is insufficient evidence to classify NM_145014.2(HYLS1):c.889dupT(S297Ffs*17) as pathogenic or benign. Please note: this variant was assessed in the context of healthy population screening.

NM_001134793.2(HYLS1):c.889dup (p.Ser297fs)

Genes: HYLS1 (HYLS1 centriolar and ciliogenesis associated; plus strand), PUS3 (pseudouridine synthase 3; minus strand). Cytogenetic location: 11q24.2.
Variant type: Duplication.
Coding change: c.889dup on transcript NM_001134793.2 (MANE Select); coding-DNA position 889, one base duplicated (T; older notation c.889dupT).
Protein change: p.Ser297fs; shifts the reading frame from serine 297.
Molecular consequence: frameshift variant. On other transcripts: intron variant (7).
Genome position (GRCh38, 1-based): chr11:125,900,257, T duplicated; the last of 3 consecutive T bases (chr11:125,900,255-125,900,257); duplicating any one gives the same sequence. VCF-style (leftmost placement, unchanged base first): chr11-125900254-C-CT. GRCh37 (hg19) VCF-style: chr11-125770149-C-CT.
Other names: c.889dup, p.Ser297fs (NM_001377269.1, NM_001377270.1, NM_001424364.1 and 1 more transcripts); c.-247+2915dup (NM_001271985.2); c.-47+2915dup (NM_001441241.1, NM_001441239.1, NM_031307.4); c.-247+424dup (NM_001441238.1); c.-47+424dup (NM_001441240.1, NM_001441237.1); short protein forms S297fs.
Identifiers: ClinVar variation 5003881 (VCV005003881.1).